The following is an entry in ClinVar:

NM_001376.5(DYNC1H1):c.3031G>T (p.Glu1011Ter)

Gene: DYNC1H1 (dynein cytoplasmic 1 heavy chain 1; plus strand). Cytogenetic location: 14q32.31.
Variant type: single nucleotide variant.
Coding change: c.3031G>T on transcript NM_001376.5 (MANE Select); coding-DNA position 3031, G replaced by T.
Protein change: p.Glu1011Ter; replaces glutamic acid 1011 with a stop codon.
Molecular consequence: nonsense.
Genome position (GRCh38, 1-based): chr14:101,994,199, G>T. VCF-style: chr14-101994199-G-T. GRCh37 (hg19) VCF-style: chr14-102460536-G-T.
Other names: short protein forms E1011*.
Identifiers: ClinVar variation 4717045 (VCV004717045.1).
Genomic context (GRCh38, chr14:101,994,199, plus strand): 5'-TTTTCATATACACTGCTTGCATTCATTTCGGCTTTGGTTGGCTAGGTGGGTGTACATTAC[G>T]AATTGACTGAGGAAGAGAAATTCTATCGGAATGCTTTAACACGGATGCCTGATGGCCCTG-3'

ClinVar aggregate classification (germline): Uncertain significance (1 of 4 stars; one submission).

Conditions:
Charcot-Marie-Tooth disease axonal type 2O. Also called: CHARCOT-MARIE-TOOTH NEUROPATHY, AXONAL, TYPE 2O; CHARCOT-MARIE-TOOTH DISEASE, AXONAL, AUTOSOMAL DOMINANT, TYPE 2O; Charcot-Marie-Tooth Neuropathy Type 2O; Charcot-Marie-Tooth disease, axonal, type 20. Identifiers: Orphanet 284232, MedGen C3280220, MONDO:0013644, OMIM 614228.

Submission:

Labcorp Genetics (formerly Invitae), Labcorp
Classification: Uncertain significance for Charcot-Marie-Tooth disease axonal type 2O. Last evaluated: 2025-04-10. Review status: criteria provided, single submitter. Criteria: Invitae Variant Classification Sherloc (09022015). Collection method: clinical testing. Allele origin: germline.
Comment: This sequence change creates a premature translational stop signal (p.Glu1011*) in the DYNC1H1 gene. It is expected to result in an absent or disrupted protein product. However, the current clinical and genetic evidence is not sufficient to establish whether loss-of-function variants in DYNC1H1 cause disease. This variant is not present in population databases (gnomAD no frequency). This variant has not been reported in the literature in individuals affected with DYNC1H1-related conditions. In summary, the available evidence is currently insufficient to determine the role of this variant in disease. Therefore, it has been classified as a Variant of Uncertain Significance.